The following is an entry in ClinVar:

ClinVar aggregate classification (germline): Uncertain significance. Review status: criteria provided, multiple submitters, no conflicts (2 of 4 stars). 2 submissions from 2 submitters: Uncertain significance (2). Last evaluated 2022-12-20.

Conditions:
Hereditary cancer-predisposing syndrome. Also called: Tumor predisposition; Neoplastic Syndromes, Hereditary; Hereditary Cancer Syndrome; Hereditary neoplastic syndrome. Identifiers: Orphanet 140162, MedGen C0027672, MeSH D009386, MONDO:0015356.
Multiple endocrine neoplasia, type 1 (MEN1). Also called: MEN I; WERMER SYNDROME; Endocrine adenomatosis multiple; MEN 1; MEA I. Identifiers: Orphanet 652, MedGen C0025267, MeSH D018761, MONDO:0007540, OMIM 131100.

Submissions (2):

Labcorp Genetics (formerly Invitae), Labcorp
Classification: Uncertain significance for Multiple endocrine neoplasia, type 1. Last evaluated: 2022-12-20. Review status: criteria provided, single submitter. Criteria: Invitae Variant Classification Sherloc (09022015). Collection method: clinical testing. Allele origin: germline.
Comment: In summary, the available evidence is currently insufficient to determine the role of this variant in disease. Therefore, it has been classified as a Variant of Uncertain Significance. Advanced modeling of protein sequence and biophysical properties (such as structural, functional, and spatial information, amino acid conservation, physicochemical variation, residue mobility, and thermodynamic stability) has been performed at Invitae for this missense variant, however the output from this modeling did not meet the statistical confidence thresholds required to predict the impact of this variant on MEN1 protein function. ClinVar contains an entry for this variant (Variation ID: 1772963). This variant has not been reported in the literature in individuals affected with MEN1-related conditions. This variant is not present in population databases (gnomAD no frequency). This sequence change replaces arginine, which is basic and polar, with glutamine, which is neutral and polar, at codon 484 of the MEN1 protein (p.Arg484Gln).

Ambry Genetics
Classification: Uncertain significance for Hereditary cancer-predisposing syndrome. Last evaluated: 2021-12-15. Review status: criteria provided, single submitter. Criteria: Ambry Variant Classification Scheme 2023. Collection method: clinical testing. Allele origin: germline.
Comment: The p.R484Q variant (also known as c.1451G>A), located in coding exon 9 of the MEN1 gene, results from a G to A substitution at nucleotide position 1451. The arginine at codon 484 is replaced by glutamine, an amino acid with highly similar properties. This amino acid position is well conserved in available vertebrate species. In addition, the in silico prediction for this alteration is inconclusive. Since supporting evidence is limited at this time, the clinical significance of this alteration remains unclear.

NM_001370259.2(MEN1):c.1451G>A (p.Arg484Gln)

Gene: MEN1 (menin 1; minus strand). Cytogenetic location: 11q13.1.
Variant type: single nucleotide variant.
Coding change: c.1451G>A on transcript NM_001370259.2 (MANE Select); coding-DNA position 1451, G replaced by A.
Protein change: p.Arg484Gln; replaces arginine 484 with glutamine.
Molecular consequence: missense variant.
Genome position (GRCh38, 1-based): chr11:64,804,716, C>T on the plus strand (G>A on the coding strand, the complement: MEN1 is on the minus strand). VCF-style: chr11-64804716-C-T. GRCh37 (hg19) VCF-style: chr11-64572188-C-T.
Other names: c.1466G>A, p.Arg489Gln (NM_000244.4, NM_001407145.1, NM_130800.3 and 4 more transcripts); c.1577G>A, p.Arg526Gln (NM_001370251.2, NM_001407142.1, NM_001407143.1 and 1 more transcripts); c.1451G>A, p.Arg484Gln (NM_001370260.2, NM_001370261.2, NM_001407146.1 and 2 more transcripts); c.1346G>A, p.Arg449Gln (NM_001370262.2, NM_001370263.2, NM_001407148.1 and 1 more transcripts); c.1592G>A, p.Arg531Gln (NM_001407150.1); c.1472G>A, p.Arg491Gln (NM_001407151.1); c.1286G>A, p.Arg429Gln (NM_001407152.1); short protein forms R429Q, R489Q, R449Q, R484Q, R491Q, R531Q, R526Q.
Identifiers: ClinVar variation 1772963 (VCV001772963.7), dbSNP rs1455443205, ClinGen allele CA381179252.